The following is an entry in ClinVar:

NM_016239.4(MYO15A):c.9913G>A (p.Glu3305Lys)

Gene: MYO15A (myosin XVA; plus strand). Cytogenetic location: 17p11.2.
Variant type: single nucleotide variant.
Coding change: c.9913G>A on transcript NM_016239.4 (MANE Select); coding-DNA position 9913, G replaced by A.
Protein change: p.Glu3305Lys; replaces glutamic acid 3305 with lysine.
Molecular consequence: missense variant.
Genome position (GRCh38, 1-based): chr17:18,166,486, G>A. VCF-style: chr17-18166486-G-A. GRCh37 (hg19) VCF-style: chr17-18069800-G-A.
Other names: short protein forms E3305K.
Identifiers: ClinVar variation 451629 (VCV000451629.13), dbSNP rs535441567, ClinGen allele CA8425726.

ClinVar aggregate classification (germline): Conflicting classifications of pathogenicity. Review status: criteria provided, conflicting classifications (1 of 4 stars). 3 submissions from 3 submitters: Uncertain significance (1); Likely benign (1). 1 of the submissions does not count toward it. Last evaluated 2025-10-15.

Allele frequency attached by ClinVar (database versions not stated): gnomAD 0.00003; TOPMed 0.00006; 1000 Genomes Project 0.00060; 1000 Genomes Project 30x 0.00062.
gnomAD v4.1: 117 of 1,613,882 alleles (0.0072%); highest among the groups gnomAD compares: South Asian, 0.058%; no homozygotes.

Submissions (3):

GeneDx
Classification: Uncertain significance. Last evaluated: 2025-10-15. Review status: criteria provided, single submitter. Criteria: GeneDx Variant Classification Process June 2021. Collection method: clinical testing. Allele origin: germline. Affected: yes.
Comment: In silico analysis supports that this missense variant has a deleterious effect on protein structure/function; Has not been previously published as pathogenic or benign to our knowledge

Labcorp Genetics (formerly Invitae), Labcorp
Classification: Likely benign. Last evaluated: 2025-01-06. Review status: criteria provided, single submitter. Criteria: Invitae Variant Classification Sherloc (09022015). Collection method: clinical testing. Allele origin: germline.

Department of Pathology and Laboratory Medicine, Sinai Health System
Classification: Uncertain significance. Review status: no assertion criteria provided. Collection method: clinical testing. Allele origin: unknown. Affected: yes. Study: The Canadian Open Genetics Repository (COGR). Not counted in ClinVar's aggregate classification.
Comment: The MYO15A p.E3305K variant was not identified in the literature but was identified in dbSNP (ID: rs535441567) and ClinVar (classified as uncertain significance by GeneDx). The variant was identified in control databases in 35 of 280690 chromosomes (1 homozygous) at a frequency of 0.0001247, and was observed at the highest frequency in the South Asian population in 23 of 30602 chromosomes (freq: 0.0007516) (Genome Aggregation Database March 6, 2019, v2.1.1). The p.E3305 residue is conserved in mammals and computational analyses (MUT Assesor, PolyPhen-2, SIFT, MutationTaster, Revel, FATHMM, MetaLR, DANN) provide inconsistent predictions regarding the impact to the protein; this information is not very predictive of pathogenicity. The variant occurs outside of the splicing consensus sequence and in silico or computational prediction software programs (Splice AI exome) do not predict a deleterious effect on splicing. In summary, based on the above information the clinical significance of this variant cannot be determined with certainty at this time. This variant is classified as a variant of uncertain significance.